The following is an entry in ClinVar:

NM_133510.4(RAD51B):c.492T>G (p.Phe164Leu)

Gene: RAD51B (RAD51 paralog B; plus strand). Cytogenetic location: 14q24.1.
Variant type: single nucleotide variant.
Coding change: c.492T>G on transcript NM_133510.4 (MANE Select); coding-DNA position 492, T replaced by G.
Protein change: p.Phe164Leu; replaces phenylalanine 164 with leucine.
Molecular consequence: missense variant.
Genome position (GRCh38, 1-based): chr14:67,885,908, T>G. VCF-style: chr14-67885908-T-G. GRCh37 (hg19) VCF-style: chr14-68352625-T-G.
Other names: c.135T>G, p.Phe45Leu (NM_001321817.2); c.492T>G, p.Phe164Leu (NM_001321818.2, NM_001321819.1, NM_001321821.2 and 6 more transcripts); c.378T>G, p.Phe126Leu (NM_001321815.1); short protein forms F45L, F126L, F164L.
Identifiers: ClinVar variation 4575335 (VCV004575335.1).

ClinVar aggregate classification (germline): Uncertain significance (1 of 4 stars; one submission).

Submission:

Ambry Genetics
Classification: Uncertain significance. Last evaluated: 2025-12-09. Review status: criteria provided, single submitter. Criteria: Ambry Variant Classification Scheme 2023. Collection method: clinical testing. Allele origin: germline.
Comment: The p.F164L variant (also known as c.492T>G), located in coding exon 5 of the RAD51B gene, results from a T to G substitution at nucleotide position 492. The phenylalanine at codon 164 is replaced by leucine, an amino acid with highly similar properties. This amino acid position is conserved. In addition, this alteration is predicted to be tolerated by in silico analysis. Based on the available evidence, the clinical significance of this variant remains unclear.